The following is an entry in ClinVar:

ClinVar aggregate classification (germline): Uncertain significance (1 of 4 stars; one submission).

Submission:

GeneDx
Classification: Uncertain significance. Last evaluated: 2025-01-27. Review status: criteria provided, single submitter. Criteria: GeneDx Variant Classification Process June 2021. Collection method: clinical testing. Allele origin: germline. Affected: yes.
Comment: Not observed at significant frequency in large population cohorts (gnomAD); In silico analysis indicates that this missense variant does not alter protein structure/function; Has not been previously published as pathogenic or benign to our knowledge

NM_152753.4(SCUBE3):c.2497A>G (p.Asn833Asp)

Gene: SCUBE3 (signal peptide, CUB domain and EGF like domain containing 3; plus strand). Cytogenetic location: 6p21.31.
Variant type: single nucleotide variant.
Coding change: c.2497A>G on transcript NM_152753.4 (MANE Select); coding-DNA position 2497, A replaced by G.
Protein change: p.Asn833Asp; replaces asparagine 833 with aspartic acid.
Molecular consequence: missense variant.
Genome position (GRCh38, 1-based): chr6:35,245,323, A>G. VCF-style: chr6-35245323-A-G. GRCh37 (hg19) VCF-style: chr6-35213100-A-G.
Other names: c.2494A>G, p.Asn832Asp (NM_001303136.2); short protein forms N832D, N833D.
Identifiers: ClinVar variation 4075527 (VCV004075527.1).
Genomic context (GRCh38, chr6:35,245,323, plus strand): 5'-GGCTATATTGAGTCCCCCAACTACCCGGGCAACTACCCAGCTGGTGTGGAGTGCATCTGG[A>G]ACATCAACCCCCCACCCAAGCGCAAGATCCTTATCGTGGTACCAGAGATCTTCCTGCCAT-3'
Protein context (NP_689966.2, residues 823-843): NYPAGVECIW[Asn833Asp]INPPPKRKIL